The following is an entry in ClinVar:

ClinVar aggregate classification (germline): Likely pathogenic (1 of 4 stars; one submission).

Conditions:
Neurodevelopmental disorder with poor growth and behavioral abnormalities (NEDGBA). Identifiers: MedGen C5830273, MONDO:0859377, OMIM 620242.

gnomAD v4.1: 5 of 1,614,138 alleles (0.00031%); highest among the groups gnomAD compares: Non-Finnish European, 0.00042%; no homozygotes.

Submission:

Dubai Health Genomic Medicine Center, Dubai Health
Classification: Likely pathogenic for Neurodevelopmental disorder with poor growth and behavioral abnormalities. Last evaluated: 2024-10-04. Review status: criteria provided, single submitter. Criteria: ACMG Guidelines, 2015. Collection method: research. Allele origin: germline. Affected: yes.
Comment: PVS1,PM2

NM_006045.3(ATP9A):c.1777C>T (p.Arg593Ter)

Gene: ATP9A (ATPase phospholipid transporting 9A; minus strand). Cytogenetic location: 20q13.2.
Variant type: single nucleotide variant.
Coding change: c.1777C>T on transcript NM_006045.3 (MANE Select); coding-DNA position 1777, C replaced by T.
Protein change: p.Arg593Ter; replaces arginine 593 with a stop codon.
Molecular consequence: nonsense.
Genome position (GRCh38, 1-based): chr20:51,627,668, G>A on the plus strand (C>T on the coding strand, the complement: ATP9A is on the minus strand). VCF-style: chr20-51627668-G-A. GRCh37 (hg19) VCF-style: chr20-50244207-G-A.
Other names: short protein forms R593*.
Identifiers: ClinVar variation 3384063 (VCV003384063.1).